The following is an entry in ClinVar:

ClinVar aggregate classification (germline): Uncertain significance (1 of 4 stars; one submission).

Submission:

Women's Health and Genetics/Laboratory Corporation of America, LabCorp
Classification: Uncertain significance. Last evaluated: 2026-03-11. Review status: criteria provided, single submitter. Criteria: LabCorp Variant Classification Summary - May 2015. Collection method: clinical testing. Allele origin: germline.
Comment: Variant summary: C1S c.1004C>T (p.Thr335Ile) results in a non-conservative amino acid change in the encoded protein sequence. Algorithms developed to predict the effect of missense changes on protein structure and function are either unavailable or do not agree on the potential impact of this missense change. The variant was absent in 251454 control chromosomes. The available data on variant occurrences in the general population are insufficient to allow any conclusion about variant significance. To our knowledge, no occurrence of c.1004C>T in individuals affected with C1S-related conditions and no experimental evidence demonstrating its impact on protein function have been reported. No submitters have cited clinical-significance assessments for this variant to ClinVar. Based on the evidence outlined above, the variant was classified as uncertain significance.

NM_001734.5(C1S):c.1004C>T (p.Thr335Ile)

Gene: C1S (complement C1s; plus strand). Cytogenetic location: 12p13.31.
Variant type: single nucleotide variant.
Coding change: c.1004C>T on transcript NM_001734.5 (MANE Select); coding-DNA position 1004, C replaced by T.
Protein change: p.Thr335Ile; replaces threonine 335 with isoleucine.
Molecular consequence: missense variant.
Genome position (GRCh38, 1-based): chr12:7,067,055, C>T. VCF-style: chr12-7067055-C-T. GRCh37 (hg19) VCF-style: chr12-7174359-C-T.
Other names: c.503C>T, p.Thr168Ile (NM_001346850.2); c.1004C>T, p.Thr335Ile (NM_201442.4); short protein forms T168I, T335I.
Identifiers: ClinVar variation 4847326 (VCV004847326.1).